The following is an entry in ClinVar:

NM_004667.6(HERC2):c.2088T>C (p.His696=)

Gene: HERC2 (HECT and RLD domain containing E3 ubiquitin protein ligase 2; minus strand). Cytogenetic location: 15q13.1.
Variant type: single nucleotide variant.
Coding change: c.2088T>C on transcript NM_004667.6 (MANE Select); coding-DNA position 2088, T replaced by C.
Protein change: p.His696=; no amino-acid change (histidine 696 retained).
Molecular consequence: synonymous variant.
Genome position (GRCh38, 1-based): chr15:28,262,952, A>G on the plus strand (T>C on the coding strand, the complement: HERC2 is on the minus strand). VCF-style: chr15-28262952-A-G. GRCh37 (hg19) VCF-style: chr15-28508098-A-G.
Identifiers: ClinVar variation 3250690 (VCV003250690.18), dbSNP rs368750008.

ClinVar aggregate classification (germline): Likely benign (1 of 4 stars; one submission).

Allele frequency attached by ClinVar (database versions not stated): gnomAD 0.00004; gnomAD exomes 0.00006; TOPMed 0.00006; ESP Exome Variant Server 0.00008; ExAC 0.00009.
gnomAD v4.1: 103 of 1,614,096 alleles (0.0064%); highest among the groups gnomAD compares: Admixed American, 0.017%; no homozygotes.

Submission:

CeGaT Center for Human Genetics Tuebingen
Classification: Likely benign. Last evaluated: 2024-06-01. Review status: criteria provided, single submitter. Criteria: CeGaT Center For Human Genetics Tuebingen Variant Classification Criteria Version 2. Collection method: clinical testing. Allele origin: germline. Affected: yes. Observed: 1 variant allele.
Comment: HERC2: BP4, BP7